The following is an entry in ClinVar:

NM_002890.3(RASA1):c.1247dup (p.Tyr416Ter)

Genes: CCNH (cyclin H; minus strand), RASA1 (RAS p21 protein activator 1; plus strand). Cytogenetic location: 5q14.3.
Variant type: Duplication.
Coding change: c.1247dup on transcript NM_002890.3 (MANE Select); coding-DNA position 1247, one base duplicated (A; older notation c.1247dupA).
Protein change: p.Tyr416Ter; replaces tyrosine 416 with a stop codon.
Molecular consequence: nonsense. On other transcripts: intron variant (1).
Genome position (GRCh38, 1-based): chr5:87,349,358, A duplicated. VCF-style (leftmost placement, unchanged base first): chr5-87349357-T-TA. GRCh37 (hg19) VCF-style: chr5-86645174-T-TA.
Other names: c.716dup, p.Tyr239Ter (NM_022650.3); c.934-36563dup (NM_001364075.2); short protein forms Y416*, Y239*.
Identifiers: ClinVar variation 3723589 (VCV003723589.2).

ClinVar aggregate classification (germline): Pathogenic (1 of 4 stars; one submission).

Conditions:
Capillary malformation-arteriovenous malformation syndrome. Also called: Capillary malformation-arteriovenous malformation. Identifiers: Orphanet 137667, MedGen C1842180, MONDO:0012016.

Submission:

Labcorp Genetics (formerly Invitae), Labcorp
Classification: Pathogenic for Capillary malformation-arteriovenous malformation syndrome. Last evaluated: 2024-11-11. Review status: criteria provided, single submitter. Criteria: Invitae Variant Classification Sherloc (09022015). Collection method: clinical testing. Allele origin: germline.
Comment: This sequence change creates a premature translational stop signal (p.Tyr416*) in the RASA1 gene. It is expected to result in an absent or disrupted protein product. Loss-of-function variants in RASA1 are known to be pathogenic (PMID: 24038909). This variant is not present in population databases (gnomAD no frequency). This variant has not been reported in the literature in individuals affected with RASA1-related conditions. For these reasons, this variant has been classified as Pathogenic.

Literature cited by the submitters: PubMed 24038909.